The following is an entry in ClinVar:

NM_000051.4(ATM):c.3996T>G (p.Ile1332Met)

Gene: ATM (ATM serine/threonine kinase; plus strand). Cytogenetic location: 11q22.3.
Variant type: single nucleotide variant.
Coding change: c.3996T>G on transcript NM_000051.4 (MANE Select); coding-DNA position 3996, T replaced by G.
Protein change: p.Ile1332Met; replaces isoleucine 1332 with methionine.
Molecular consequence: missense variant.
Genome position (GRCh38, 1-based): chr11:108,287,602, T>G. VCF-style: chr11-108287602-T-G. GRCh37 (hg19) VCF-style: chr11-108158329-T-G.
Other names: c.3996T>G, p.Ile1332Met (NM_001351834.2); short protein forms I1332M.
Identifiers: ClinVar variation 482584 (VCV000482584.15), dbSNP rs1180449859, ClinGen allele CA382527423.
Genomic context (GRCh38, chr11:108,287,602, plus strand): 5'-TGTCTTGACGTTCACAGATATAAAATATTAAATATATTTTAATTTTGTGCCCTTGCAGAT[T>G]GATCACTTATTCATTAGTAATTTACCAGAGATTGTGGTGGAGTTATTGATGACGTTACAT-3'
Protein context (NP_000042.3, residues 1322-1342): LKSENLLGKQ[Ile1332Met]DHLFISNLPE

ClinVar aggregate classification (germline): Uncertain significance. Review status: criteria provided, multiple submitters, no conflicts (2 of 4 stars). 3 submissions from 3 submitters: Uncertain significance (3). Last evaluated 2025-03-11.

Conditions:
Hereditary cancer-predisposing syndrome. Also called: Hereditary neoplastic syndrome; Neoplastic Syndromes, Hereditary; Tumor predisposition; Hereditary Cancer Syndrome. Identifiers: Orphanet 140162, MedGen C0027672, MeSH D009386, MONDO:0015356.
Ataxia-telangiectasia syndrome (AT). Also called: LOUIS-BAR SYNDROME; Cerebello-oculocutaneous telangiectasia; Immunodeficiency with ataxia telangiectasia; AT, COMPLEMENTATION GROUP C; Ataxia-telangiectasia, complementation group D; ATAXIA-TELANGIECTASIA, COMPLEMENTATION GROUP A. Identifiers: Orphanet 100, MedGen C0004135, MONDO:0008840, OMIM 208900.

gnomAD v4.1: 1 of 1,600,974 alleles (0.000062%); highest among the groups gnomAD compares: Non-Finnish European, 0.000086%; no homozygotes.

Submissions (3):

Color Diagnostics, LLC DBA Color Health
Classification: Uncertain significance for Hereditary cancer-predisposing syndrome. Last evaluated: 2025-03-11. Review status: criteria provided, single submitter. Criteria: ACMG Guidelines, 2015. Collection method: clinical testing. Allele origin: germline.
Comment: This missense variant replaces isoleucine with methionine at codon 1332 of the ATM protein. Computational prediction suggests that this variant may not impact protein structure and function. To our knowledge, functional studies have not been reported for this variant. This variant has not been reported in individuals affected with ATM-related disorders in the literature. This variant has not been identified in the general population by the Genome Aggregation Database (gnomAD). The available evidence is insufficient to determine the role of this variant in disease conclusively. Therefore, this variant is classified as a Variant of Uncertain Significance.

Labcorp Genetics (formerly Invitae), Labcorp
Classification: Uncertain significance for Ataxia-telangiectasia syndrome. Last evaluated: 2020-03-09. Review status: criteria provided, single submitter. Criteria: Invitae Variant Classification Sherloc (09022015). Collection method: clinical testing. Allele origin: germline.
Comment: In summary, the available evidence is currently insufficient to determine the role of this variant in disease. Therefore, it has been classified as a Variant of Uncertain Significance. Algorithms developed to predict the effect of missense changes on protein structure and function are either unavailable or do not agree on the potential impact of this missense change (SIFT: "Deleterious"; PolyPhen-2: "Benign"; Align-GVGD: "Class C0"). This variant has not been reported in the literature in individuals with ATM-related conditions. ClinVar contains an entry for this variant (Variation ID: 482584). This variant is not present in population databases (ExAC no frequency). This sequence change replaces isoleucine with methionine at codon 1332 of the ATM protein (p.Ile1332Met). The isoleucine residue is moderately conserved and there is a small physicochemical difference between isoleucine and methionine.

Ambry Genetics
Classification: Uncertain significance for Hereditary cancer-predisposing syndrome. Last evaluated: 2016-04-18. Review status: criteria provided, single submitter. Criteria: Ambry Variant Classification Scheme 2023. Collection method: clinical testing. Allele origin: germline.
Comment: The p.I1332M variant (also known as c.3996T>G), located in coding exon 26 of the ATM gene, results from a T to G substitution at nucleotide position 3996. The isoleucine at codon 1332 is replaced by methionine, an amino acid with highly similar properties. This variant was not reported in population based cohorts in the following databases: Database of Single Nucleotide Polymorphisms (dbSNP), NHLBI Exome Sequencing Project (ESP), and 1000 Genomes Project. In the ESP, this variant was not observed in 6499 samples (12998 alleles) with coverage at this position. To date, this alteration has been detected with an allele frequency of approximately 0.001% (greater than 125000 alleles tested) in our clinical cohort. This amino acid position is well conserved in available vertebrate species. In addition, this alteration is predicted to be tolerated by in silico analysis. Since supporting evidence is limited at this time, the clinical significance of this alteration remains unclear.